The following is an entry in ClinVar:

NM_020207.7(ERCC6L2):c.2155G>C (p.Gly719Arg)

Gene: ERCC6L2 (ERCC excision repair 6 like 2; plus strand). Cytogenetic location: 9q22.32.
Variant type: single nucleotide variant.
Coding change: c.2155G>C on transcript NM_020207.7 (MANE Select); coding-DNA position 2155, G replaced by C.
Protein change: p.Gly719Arg; replaces glycine 719 with arginine.
Molecular consequence: missense variant. On other transcripts: non-coding transcript variant (1).
Genome position (GRCh38, 1-based): chr9:95,970,630, G>C. VCF-style: chr9-95970630-G-C. GRCh37 (hg19) VCF-style: chr9-98732912-G-C.
Other names: c.2155G>C, p.Gly719Arg (NM_001375291.1, NM_001375292.1, NM_001375293.1 and 1 more transcripts); short protein forms G719R.
Identifiers: ClinVar variation 3377767 (VCV003377767.1).

ClinVar aggregate classification (germline): Uncertain significance (1 of 4 stars; one submission).

Conditions:
Pancytopenia-developmental delay syndrome. Also called: Bone marrow failure syndrome 2. Identifiers: Orphanet 401764, MedGen C3810350, MONDO:0014317, OMIM 615715.

gnomAD v4.1: 15 of 1,303,298 alleles (0.0012%); highest among the groups gnomAD compares: African/African-American, 0.021%; no homozygotes.

Submission:

St. Jude Molecular Pathology, St. Jude Children's Research Hospital
Classification: Uncertain significance for Pancytopenia-developmental delay syndrome. Last evaluated: 2023-11-28. Review status: criteria provided, single submitter. Criteria: St. Jude Assertion Criteria 2020. Collection method: clinical testing. Allele origin: germline.
Comment: The ERCC6L2 c.2188G>C (p.Gly730Arg) missense change has a maximum subpopulation frequency of 0.013% in gnomAD v2.1.1. The in silico tool REVEL predicts a benign effect on protein function, but to our knowledge this prediction has not been confirmed by functional studies. To our knowledge, this variant has not been reported in individuals with ERCC6L2-associated bone marrow failure syndrome. In summary, the evidence currently available is insufficient to determine the clinical significance of this variant. It has therefore been classified as of uncertain significance.